The following is an entry in ClinVar:

NM_001001824.2(OR2T27):c.720C>T (p.Thr240=)

Gene: OR2T27 (olfactory receptor family 2 subfamily T member 27; minus strand). Cytogenetic location: 1q44.
Variant type: single nucleotide variant.
Coding change: c.720C>T on transcript NM_001001824.2 (MANE Select); coding-DNA position 720, C replaced by T.
Protein change: p.Thr240=; no amino-acid change (threonine 240 retained).
Molecular consequence: synonymous variant.
Genome position (GRCh38, 1-based): chr1:248,650,165, G>A on the plus strand (C>T on the coding strand, the complement: OR2T27 is on the minus strand). VCF-style: chr1-248650165-G-A. GRCh37 (hg19) VCF-style: chr1-248813466-G-A.
Other names: c.720C>T, p.Thr240= (NM_001386060.1).
Identifiers: ClinVar variation 2640259 (VCV002640259.24), dbSNP rs201891917, ClinGen allele CA1506659.

ClinVar aggregate classification (germline): Likely benign (1 of 4 stars; one submission).

Allele frequency attached by ClinVar (database versions not stated): ExAC 0.00062.

Submission:

CeGaT Center for Human Genetics Tuebingen
Classification: Likely benign. Last evaluated: 2022-03-01. Review status: criteria provided, single submitter. Criteria: CeGaT Center For Human Genetics Tuebingen Variant Classification Criteria Version 2. Collection method: clinical testing. Allele origin: germline. Affected: yes. Observed: 1 variant allele.
Comment: OR2T27: BP4, BP7